The following is an entry in ClinVar:

ClinVar aggregate classification (germline): Uncertain significance (1 of 4 stars; one submission).

Conditions:
Hereditary cancer-predisposing syndrome. Also called: Neoplastic Syndromes, Hereditary; Tumor predisposition; Hereditary neoplastic syndrome; Hereditary Cancer Syndrome. Identifiers: Orphanet 140162, MedGen C0027672, MeSH D009386, MONDO:0015356.

Submission:

Ambry Genetics
Classification: Uncertain significance for Hereditary cancer-predisposing syndrome. Last evaluated: 2026-07-02. Review status: criteria provided, single submitter. Criteria: Ambry Variant Classification Scheme 2023. Collection method: clinical testing. Allele origin: germline.
Comment: The p.A152S variant (also known as c.454G>T), located in coding exon 1 of the AXIN2 gene, results from a G to T substitution at nucleotide position 454. The alanine at codon 152 is replaced by serine, an amino acid with similar properties. This amino acid position is conserved. In addition, this alteration is predicted to be tolerated by in silico analysis. Based on the available evidence, the clinical significance of this variant remains unclear.

NM_004655.4(AXIN2):c.454G>T (p.Ala152Ser)

Gene: AXIN2 (axin 2; minus strand). Cytogenetic location: 17q24.1.
Variant type: single nucleotide variant.
Coding change: c.454G>T on transcript NM_004655.4 (MANE Select); coding-DNA position 454, G replaced by T.
Protein change: p.Ala152Ser; replaces alanine 152 with serine.
Molecular consequence: missense variant.
Genome position (GRCh38, 1-based): chr17:65,558,167, C>A on the plus strand (G>T on the coding strand, the complement: AXIN2 is on the minus strand). VCF-style: chr17-65558167-C-A. GRCh37 (hg19) VCF-style: chr17-63554285-C-A.
Other names: c.454G>T, p.Ala152Ser (NM_001363813.1); short protein forms A152S.
Identifiers: ClinVar variation 5032529 (VCV005032529.1).
Genomic context (GRCh38, chr17:65,558,167, plus strand): 5'-CAAACATGATGGAATCAATCTGCTGCTTCTTGATGCCATCTCTTATGTAGGTCTTGGTGG[C>A]AGGCTTCAGCTGCTTGGAGACAATGCTGTTGTTCTCAATGTACCTTTTGTAGATCGCTTT-3'
Protein context (NP_004646.3, residues 142-162): NSIVSKQLKP[Ala152Ser]TKTYIRDGIK